The following is an entry in ClinVar:

ClinVar aggregate classification (germline): Likely benign. Review status: criteria provided, multiple submitters, no conflicts (2 of 4 stars). 2 submissions from 2 submitters: Likely benign (2). Last evaluated 2025-08-07.

Conditions:
Ataxia-telangiectasia syndrome (AT). Also called: LOUIS-BAR SYNDROME; Cerebello-oculocutaneous telangiectasia; Immunodeficiency with ataxia telangiectasia; Ataxia telangiectasia (A-T); Ataxia-telangiectasia, complementation group D; AT, COMPLEMENTATION GROUP C. Identifiers: Orphanet 100, MedGen C0004135, MONDO:0008840, OMIM 208900.
Familial cancer of breast. Also called: BREAST CANCER, FAMILIAL; Hereditary breast cancer; hereditary breast carcinoma. Identifiers: Orphanet 227535, MedGen C0346153, MONDO:0016419, OMIM 114480. Disease mechanism: loss of function.

gnomAD v4.1: 3 of 1,589,392 alleles (0.00019%); highest among the groups gnomAD compares: Non-Finnish European, 0.00026%; no homozygotes.

Submissions (2):

Labcorp Genetics (formerly Invitae), Labcorp
Classification: Likely benign for Ataxia-telangiectasia syndrome. Last evaluated: 2025-08-07. Review status: criteria provided, single submitter. Criteria: Invitae Variant Classification Sherloc (09022015). Collection method: clinical testing. Allele origin: germline.

Myriad Genetics, Inc.
Classification: Likely benign for Familial cancer of breast. Last evaluated: 2024-06-20. Review status: criteria provided, single submitter. Criteria: Myriad Autosomal Dominant, Autosomal Recessive and X-Linked Classification Criteria (2023). Collection method: clinical testing. Allele origin: unknown.
Comment: This variant is considered likely benign. This variant is intronic and is not expected to impact mRNA splicing.

NM_000051.4(ATM):c.8672-7A>T

Genes: ATM (ATM serine/threonine kinase; plus strand), C11orf65 (chromosome 11 open reading frame 65; minus strand). Cytogenetic location: 11q22.3.
Variant type: single nucleotide variant.
Coding change: c.8672-7A>T on transcript NM_000051.4 (MANE Select); 7 bases into the intron before coding-DNA position 8672, A replaced by T.
Molecular consequence: intron variant.
Genome position (GRCh38, 1-based): chr11:108,353,759, A>T. VCF-style: chr11-108353759-A-T. GRCh37 (hg19) VCF-style: chr11-108224486-A-T.
Other names: c.8672-7A>T (NM_001351834.2); c.640+32161T>A (NM_001330368.2); c.695-18467T>A (NM_001351110.2).
Identifiers: ClinVar variation 2822507 (VCV002822507.4), dbSNP rs2137284033, ClinGen allele CA2615862810.